The following is an entry in ClinVar:

ClinVar aggregate classification (germline): Uncertain significance. Review status: criteria provided, multiple submitters, no conflicts (2 of 4 stars). 2 submissions from 2 submitters: Uncertain significance (2). Last evaluated 2026-08-10.

Conditions:
Nephronophthisis 16 (NPHP16). Identifiers: Orphanet 655, MedGen C3809320, MONDO:0014158, OMIM 615382.

Allele frequency attached by ClinVar (database versions not stated): gnomAD 0.00001; ExAC 0.00002; 1000 Genomes Project 30x 0.00016; 1000 Genomes Project 0.00020.
gnomAD v4.1: 6 of 1,613,288 alleles (0.00037%); highest among the groups gnomAD compares: East Asian, 0.0022%; no homozygotes.

Submissions (2):

GeneDx
Classification: Uncertain significance. Last evaluated: 2026-08-10. Review status: criteria provided, single submitter. Criteria: GeneDx Variant Classification Process June 2021. Collection method: clinical testing. Allele origin: germline.
Comment: Not observed at significant frequency in large population cohorts (gnomAD); In silico analysis supports a deleterious effect on splicing; In silico analysis suggests that this missense variant does not alter protein structure/function; Has not been previously published as pathogenic or benign to our knowledge

Labcorp Genetics (formerly Invitae), Labcorp
Classification: Uncertain significance for Nephronophthisis 16. Last evaluated: 2022-04-12. Review status: criteria provided, single submitter. Criteria: Invitae Variant Classification Sherloc (09022015). Collection method: clinical testing. Allele origin: germline.
Comment: In summary, the available evidence is currently insufficient to determine the role of this variant in disease. Therefore, it has been classified as a Variant of Uncertain Significance. Variants that disrupt the consensus splice site are a relatively common cause of aberrant splicing (PMID: 17576681, 9536098). Algorithms developed to predict the effect of sequence changes on RNA splicing suggest that this variant may create or strengthen a splice site. Algorithms developed to predict the effect of missense changes on protein structure and function are either unavailable or do not agree on the potential impact of this missense change (SIFT: "Deleterious"; PolyPhen-2: "Probably Damaging"; Align-GVGD: "Class C0"). This variant has not been reported in the literature in individuals affected with ANKS6-related conditions. This variant is present in population databases (rs182680872, gnomAD 0.006%). This sequence change affects codon 407 of the ANKS6 mRNA. It is a 'silent' change, meaning that it does not change the encoded amino acid sequence of the ANKS6 protein. This variant also falls at the last nucleotide of exon 5, which is part of the consensus splice site for this exon.

Literature cited by the submitters: PubMed 17576681 (cited by Labcorp Genetics (formerly Invitae), Labcorp); PubMed 9536098 (cited by Labcorp Genetics (formerly Invitae), Labcorp).

NM_173551.5(ANKS6):c.1219G>A (p.Asp407Asn)

Gene: ANKS6 (ankyrin repeat and sterile alpha motif domain containing 6; minus strand). Cytogenetic location: 9q22.33.
Variant type: single nucleotide variant.
Coding change: c.1219G>A on transcript NM_173551.5 (MANE Select); coding-DNA position 1219, G replaced by A.
Protein change: p.Asp407Asn; replaces aspartic acid 407 with asparagine.
Molecular consequence: missense variant.
Genome position (GRCh38, 1-based): chr9:98,782,467, C>T on the plus strand (G>A on the coding strand, the complement: ANKS6 is on the minus strand). VCF-style: chr9-98782467-C-T. GRCh37 (hg19) VCF-style: chr9-101544749-C-T.
Other names: c.1219G>A (NM_173551.3); short protein forms D407N.
Identifiers: ClinVar variation 1931965 (VCV001931965.7), dbSNP rs182680872, ClinGen allele CA5153595.